The following is an entry in ClinVar:

ClinVar aggregate classification (germline): Uncertain significance (1 of 4 stars; one submission).

Allele frequency attached by ClinVar (database versions not stated): ExAC 0.00001; gnomAD exomes 0.00001; TOPMed 0.00001; gnomAD 0.00003; 1000 Genomes Project 0.00020; 1000 Genomes Project 30x 0.00031.
gnomAD v4.1: 15 of 1,613,838 alleles (0.00093%); highest among the groups gnomAD compares: Admixed American, 0.0033%; no homozygotes.

Submission:

GeneDx
Classification: Uncertain significance. Last evaluated: 2022-06-15. Review status: criteria provided, single submitter. Criteria: GeneDx Variant Classification Process June 2021. Collection method: clinical testing. Allele origin: germline. Affected: yes.
Comment: In silico analysis supports that this missense variant does not alter protein structure/function; Has not been previously published as pathogenic or benign to our knowledge

NM_005245.4(FAT1):c.3802C>T (p.Arg1268Trp)

Gene: FAT1 (FAT atypical cadherin 1; minus strand). Cytogenetic location: 4q35.2.
Variant type: single nucleotide variant.
Coding change: c.3802C>T on transcript NM_005245.4 (MANE Select); coding-DNA position 3802, C replaced by T.
Protein change: p.Arg1268Trp; replaces arginine 1268 with tryptophan.
Molecular consequence: missense variant.
Genome position (GRCh38, 1-based): chr4:186,636,755, G>A on the plus strand (C>T on the coding strand, the complement: FAT1 is on the minus strand). VCF-style: chr4-186636755-G-A. GRCh37 (hg19) VCF-style: chr4-187557909-G-A.
Other names: short protein forms R1268W.
Identifiers: ClinVar variation 1804366 (VCV001804366.1), dbSNP rs564430066, ClinGen allele CA3166907.